The following is an entry in ClinVar:

ClinVar aggregate classification (germline): Benign. Review status: reviewed by expert panel (3 of 4 stars). 8 submissions from 7 submitters: Benign (1). 7 of the submissions do not count toward it. Last evaluated 2024-01-23.

Conditions:
Recombinase activating gene 1 deficiency. Identifiers: MedGen CN375631, MONDO:0000572.
Combined immunodeficiency with skin granulomas. Identifiers: Orphanet 157949, MedGen C2673536, MONDO:0009306, OMIM 233650.
Severe combined immunodeficiency, autosomal recessive, T cell-negative, B cell-negative, NK cell-positive. Also called: Severe combined immunodeficiency due to complete RAG1/2 deficiency; SCID, T CELL-NEGATIVE, B CELL-NEGATIVE, NK CELL-POSITIVE; SCID, AR, T-cell negative, B-cell negative, NK cell-positive. Identifiers: Orphanet 331206, MedGen C1832322, MONDO:0011086, OMIM 601457.
Histiocytic medullary reticulosis. Also called: SEVERE COMBINED IMMUNODEFICIENCY WITH HYPEREOSINOPHILIA; Omenn syndrome. Identifiers: Orphanet 39041, MedGen C2700553, MONDO:0011338, OMIM 603554.

Allele frequency attached by ClinVar (database versions not stated): gnomAD exomes 0.00144 and 0.00372; ExAC 0.00446; gnomAD 0.01298 and 0.01395; TOPMed 0.01473; 1000 Genomes Project 0.01577; ESP Exome Variant Server 0.01592; 1000 Genomes Project 30x 0.01608.
gnomAD v4.1: 4,149 of 1,614,146 alleles (0.26%); highest among the groups gnomAD compares: African/African-American, 4.7%; 84 homozygotes.

Submissions (8):

ClinGen Severe Combined Immunodeficiency Variant Curation Expert Panel, ClinGen
Classification: Benign for Recombinase activating gene 1 deficiency. Last evaluated: 2024-01-23. Review status: reviewed by expert panel. Criteria: ClinGen SCID ACMG Specifications RAG1 V1.0.0. Collection method: curation. Allele origin: germline. Inheritance: Autosomal recessive inheritance.
Comment: The NM_000448.3:c.2638G>A variant in RAG1 is a missense variant predicted to cause the substitution of Glutamic Acid by Lysine at amino acid 880 (p.Glu880Lys). The filtering allele frequency (the lower threshold of the 95% CI of 3496/75044) of the c.2638G>A variant in RAG1 is 0.04730 for African/African American chromosomes by gnomAD v.4, which is higher than the ClinGen SCID VCEP threshold (>0.00872) for BA1, and therefore meets this criterion (BA1). Additionally, 84 homozygous adults are reported on gnomAD v.4 (BS2_Supporting). In summary, this variant meets the criteria to be classified as Benign for autosomal recessive SCID based on the ACMG/AMP criteria applied, as specified by the ClinGen SCID-VCEP: BA1 and BS2_Supporting. (VCEP specifications version 1).

Labcorp Genetics (formerly Invitae), Labcorp
Classification: Benign for Combined immunodeficiency with skin granulomas; Severe combined immunodeficiency, autosomal recessive, T cell-negative, B cell-negative, NK cell-positive. Last evaluated: 2026-01-31. Review status: criteria provided, single submitter. Criteria: Invitae Variant Classification Sherloc (09022015). Collection method: clinical testing. Allele origin: germline. Not counted in ClinVar's aggregate classification.

ARUP Laboratories, Molecular Genetics and Genomics, ARUP Laboratories
Classification: Benign. Last evaluated: 2023-09-22. Review status: criteria provided, single submitter. Criteria: ARUP Molecular Germline Variant Investigation Process 2024. Collection method: clinical testing. Allele origin: germline. Not counted in ClinVar's aggregate classification.

Women's Health and Genetics/Laboratory Corporation of America, LabCorp
Classification: Likely benign. Last evaluated: 2022-01-26. Review status: criteria provided, single submitter. Criteria: LabCorp Variant Classification Summary - May 2015. Collection method: clinical testing. Allele origin: germline. Not counted in ClinVar's aggregate classification.

Illumina Laboratory Services, Illumina
Classification: Benign for Histiocytic medullary reticulosis. Last evaluated: 2018-01-12. Review status: criteria provided, single submitter. Criteria: ICSL Variant Classification Criteria 13 December 2019. Collection method: clinical testing. Allele origin: germline. Not counted in ClinVar's aggregate classification.
Comment: This variant was observed in the ICSL laboratory as part of a predisposition screen in an ostensibly healthy population. It had not been previously curated by ICSL or reported in the Human Gene Mutation Database (HGMD: prior to June 1st, 2018), and was therefore a candidate for classification through an automated scoring system. Utilizing variant allele frequency, disease prevalence and penetrance estimates, and inheritance mode, an automated score was calculated to assess if this variant is too frequent to cause the disease. Based on the score and internal cut-off values, a variant classified as benign is not then subjected to further curation. The score for this variant resulted in a classification of benign for this disease.

Illumina Laboratory Services, Illumina
Classification: Benign for Severe combined immunodeficiency, autosomal recessive, T cell-negative, B cell-negative, NK cell-positive. Last evaluated: 2018-01-12. Review status: criteria provided, single submitter. Criteria: ICSL Variant Classification Criteria 13 December 2019. Collection method: clinical testing. Allele origin: germline. Not counted in ClinVar's aggregate classification.
Comment: the same text as in the submission from Illumina Laboratory Services, Illumina above.

GeneDx
Classification: Benign. Last evaluated: 2014-02-28. Review status: criteria provided, single submitter. Criteria: GeneDx Variant Classification (06012015). Collection method: clinical testing. Allele origin: germline. Affected: yes. Not counted in ClinVar's aggregate classification.
Comment: This variant is considered likely benign or benign based on one or more of the following criteria: it is a conservative change, it occurs at a poorly conserved position in the protein, it is predicted to be benign by multiple in silico algorithms, and/or has population frequency not consistent with disease.

Breakthrough Genomics
Classification: Likely benign. Review status: criteria provided, single submitter. Criteria: ACMG Guidelines, 2015. Collection method: not provided. Allele origin: germline. Inheritance: Autosomal recessive inheritance. Affected: yes. Not counted in ClinVar's aggregate classification.

NM_000448.3(RAG1):c.2638G>A (p.Glu880Lys)

Gene: RAG1 (recombination activating 1; plus strand). Cytogenetic location: 11p12.
Variant type: single nucleotide variant.
Coding change: c.2638G>A on transcript NM_000448.3 (MANE Select); coding-DNA position 2638, G replaced by A.
Protein change: p.Glu880Lys; replaces glutamic acid 880 with lysine.
Molecular consequence: missense variant.
Genome position (GRCh38, 1-based): chr11:36,575,942, G>A. VCF-style: chr11-36575942-G-A. GRCh37 (hg19) VCF-style: chr11-36597492-G-A.
Other names: p.E880K:GAG>AAG; NM_000448.3(RAG1):c.2638G>A; c.2638G>A, p.Glu880Lys (NM_001377277.1, NM_001377278.1, NM_001377279.1 and 1 more transcripts); short protein forms E880K.
Identifiers: ClinVar variation 138884 (VCV000138884.19), dbSNP rs4151033, ClinGen allele CA293052.